The following is an entry in ClinVar:

NM_000377.3(WAS):c.1429A>G (p.Arg477Gly)

Gene: WAS (WASP actin nucleation promoting factor; plus strand). Cytogenetic location: Xp11.23.
Variant type: single nucleotide variant.
Coding change: c.1429A>G on transcript NM_000377.3 (MANE Select); coding-DNA position 1429, A replaced by G.
Protein change: p.Arg477Gly; replaces arginine 477 with glycine.
Molecular consequence: missense variant.
Genome position (GRCh38, 1-based): chrX:48,689,410, A>G. VCF-style: chrX-48689410-A-G. GRCh37 (hg19) VCF-style: chrX-48547799-A-G.
Other names: short protein forms R477G.
Identifiers: ClinVar variation 1684335 (VCV001684335.1), dbSNP rs2147267330, ClinGen allele CA412873972.

ClinVar aggregate classification (germline): Uncertain significance (0 of 4 stars; one submission).

Conditions:
Wiskott-Aldrich syndrome (WAS). Also called: ALDRICH SYNDROME; IMMUNODEFICIENCY 2; Wiskott-aldrich syndrome, somatic; WISKOTT-ALDRICH SYNDROME 1. Identifiers: Orphanet 906, MedGen C0043194, MONDO:0010518, OMIM 301000.

Submission:

ISTH-SSC Genomics in Thrombosis and Hemostasis, KU Leuven, Center for Molecular and Vascular Biology
Classification: Uncertain significance for Wiskott-Aldrich syndrome. Review status: no assertion criteria provided. Collection method: research. Allele origin: unknown. Affected: yes.
Comment: Submitted to GoldVariant by Dr Karyn Mégy from NIHR Bioresource - Cambridge University, UK